The following is an entry in ClinVar:

ClinVar aggregate classification (germline): Uncertain significance. Review status: criteria provided, multiple submitters, no conflicts (2 of 4 stars). 3 submissions from 3 submitters: Uncertain significance (3). Last evaluated 2025-05-12.

Conditions:
Inborn genetic diseases. Identifiers: MedGen C0950123, MeSH D030342.

Allele frequency attached by ClinVar (database versions not stated): gnomAD 0.00001; TOPMed 0.00002; ExAC 0.00003; gnomAD exomes 0.00003; ESP Exome Variant Server 0.00008.
gnomAD v4.1: 50 of 1,602,948 alleles (0.0031%); highest among the groups gnomAD compares: Non-Finnish European, 0.0042%; no homozygotes.

Submissions (3):

Labcorp Genetics (formerly Invitae), Labcorp
Classification: Uncertain significance. Last evaluated: 2025-05-12. Review status: criteria provided, single submitter. Criteria: Invitae Variant Classification Sherloc (09022015). Collection method: clinical testing. Allele origin: germline.
Comment: This sequence change replaces serine, which is neutral and polar, with phenylalanine, which is neutral and non-polar, at codon 568 of the CRB2 protein (p.Ser568Phe). This variant is present in population databases (rs150718769, gnomAD 0.008%). This variant has not been reported in the literature in individuals affected with CRB2-related conditions. ClinVar contains an entry for this variant (Variation ID: 1915914). Invitae Evidence Modeling of protein sequence and biophysical properties (such as structural, functional, and spatial information, amino acid conservation, physicochemical variation, residue mobility, and thermodynamic stability) indicates that this missense variant is not expected to disrupt CRB2 protein function with a negative predictive value of 80%. In summary, the available evidence is currently insufficient to determine the role of this variant in disease. Therefore, it has been classified as a Variant of Uncertain Significance.

Ambry Genetics
Classification: Uncertain significance for Inborn genetic diseases. Last evaluated: 2025-04-12. Review status: criteria provided, single submitter. Criteria: Ambry Variant Classification Scheme 2023. Collection method: clinical testing. Allele origin: germline.

Blueprint Genetics
Classification: Uncertain significance. Last evaluated: 2024-10-23. Review status: criteria provided, single submitter. Criteria: ACMG Guidelines, 2015. Collection method: clinical testing. Allele origin: germline.

NM_173689.7(CRB2):c.1703C>T (p.Ser568Phe)

Gene: CRB2 (crumbs cell polarity complex component 2; plus strand). Cytogenetic location: 9q33.3.
Variant type: single nucleotide variant.
Coding change: c.1703C>T on transcript NM_173689.7 (MANE Select); coding-DNA position 1703, C replaced by T.
Protein change: p.Ser568Phe; replaces serine 568 with phenylalanine.
Molecular consequence: missense variant. On other transcripts: non-coding transcript variant (1).
Genome position (GRCh38, 1-based): chr9:123,370,756, C>T. VCF-style: chr9-123370756-C-T. GRCh37 (hg19) VCF-style: chr9-126133035-C-T.
Other names: short protein forms S568F.
Identifiers: ClinVar variation 1915914 (VCV001915914.7), dbSNP rs150718769, ClinGen allele CA5232028.